The following is an entry in ClinVar:

NM_024513.4(FYCO1):c.753G>T (p.Glu251Asp)

Gene: FYCO1 (FYVE and coiled-coil domain autophagy adaptor 1; minus strand). Cytogenetic location: 3p21.31.
Variant type: single nucleotide variant.
Coding change: c.753G>T on transcript NM_024513.4 (MANE Select); coding-DNA position 753, G replaced by T.
Protein change: p.Glu251Asp; replaces glutamic acid 251 with aspartic acid.
Molecular consequence: missense variant.
Genome position (GRCh38, 1-based): chr3:45,968,581, C>A on the plus strand (G>T on the coding strand, the complement: FYCO1 is on the minus strand). VCF-style: chr3-45968581-C-A. GRCh37 (hg19) VCF-style: chr3-46010073-C-A.
Other names: short protein forms E251D.
Identifiers: ClinVar variation 345537 (VCV000345537.12), dbSNP rs3821885, ClinGen allele CA2353379.

ClinVar aggregate classification (germline): Likely benign. Review status: criteria provided, multiple submitters, no conflicts (2 of 4 stars). 3 submissions from 3 submitters: Likely benign (3). Last evaluated 2024-10-14.

Conditions:
Cataract 18 (CATC2). Also called: CATARACT 18, AUTOSOMAL RECESSIVE. Identifiers: Orphanet 91492, Orphanet 98991, Orphanet 98992, Orphanet 98995, MedGen C1864908, MONDO:0012395, OMIM 610019.

Allele frequency attached by ClinVar (database versions not stated): gnomAD 0.00015 and 0.00019; TOPMed 0.00025; ExAC 0.00029; gnomAD exomes 0.00035; 1000 Genomes Project 30x 0.00094; 1000 Genomes Project 0.00100.
gnomAD v4.1: 162 of 1,613,996 alleles (0.01%); highest among the groups gnomAD compares: East Asian, 0.3%; no homozygotes.

Submissions (3):

Labcorp Genetics (formerly Invitae), Labcorp
Classification: Likely benign for Cataract 18. Last evaluated: 2024-10-14. Review status: criteria provided, single submitter. Criteria: Invitae Variant Classification Sherloc (09022015). Collection method: clinical testing. Allele origin: germline.

Blueprint Genetics
Classification: Likely benign. Last evaluated: 2024-06-14. Review status: criteria provided, single submitter. Criteria: ACMG Guidelines, 2015. Collection method: clinical testing. Allele origin: germline.

Illumina Laboratory Services, Illumina
Classification: Likely benign for Cataract 18. Last evaluated: 2018-01-13. Review status: criteria provided, single submitter. Criteria: ICSL Variant Classification Criteria 13 December 2019. Collection method: clinical testing. Allele origin: germline.
Comment: This variant was observed in the ICSL laboratory as part of a predisposition screen in an ostensibly healthy population. It had not been previously curated by ICSL or reported in the Human Gene Mutation Database (HGMD: prior to June 1st, 2018), and was therefore a candidate for classification through an automated scoring system. Utilizing variant allele frequency, disease prevalence and penetrance estimates, and inheritance mode, an automated score was calculated to assess if this variant is too frequent to cause the disease. Based on the score and internal cut-off values, a variant classified as likely benign is not then subjected to further curation. The score for this variant resulted in a classification of likely benign for this disease.